The following is an entry in ClinVar:

ClinVar aggregate classification (germline): Uncertain significance (1 of 4 stars; one submission).

Submission:

Labcorp Genetics (formerly Invitae), Labcorp
Classification: Uncertain significance. Last evaluated: 2021-08-27. Review status: criteria provided, single submitter. Criteria: Invitae Variant Classification Sherloc (09022015). Collection method: clinical testing. Allele origin: germline.
Comment: This sequence change replaces proline with leucine at codon 1509 of the CAD protein (p.Pro1509Leu). The proline residue is weakly conserved and there is a moderate physicochemical difference between proline and leucine. This variant is not present in population databases (ExAC no frequency). This variant has not been reported in the literature in individuals affected with CAD-related conditions. Algorithms developed to predict the effect of missense changes on protein structure and function (SIFT, PolyPhen-2, Align-GVGD) all suggest that this variant is likely to be tolerated. In summary, the available evidence is currently insufficient to determine the role of this variant in disease. Therefore, it has been classified as a Variant of Uncertain Significance.

NM_004341.5(CAD):c.4526C>T (p.Pro1509Leu)

Gene: CAD (carbamoyl-phosphate synthetase 2, aspartate transcarbamylase, and dihydroorotase; plus strand). Cytogenetic location: 2p23.3.
Variant type: single nucleotide variant.
Coding change: c.4526C>T on transcript NM_004341.5 (MANE Select); coding-DNA position 4526, C replaced by T.
Protein change: p.Pro1509Leu; replaces proline 1509 with leucine.
Molecular consequence: missense variant.
Genome position (GRCh38, 1-based): chr2:27,237,508, C>T. VCF-style: chr2-27237508-C-T. GRCh37 (hg19) VCF-style: chr2-27460376-C-T.
Other names: c.4337C>T, p.Pro1446Leu (NM_001306079.2); short protein forms P1446L, P1509L.
Identifiers: ClinVar variation 1485271 (VCV001485271.5), dbSNP rs2148086993, ClinGen allele CA346220115.